The following is an entry in ClinVar:

NM_001267550.2(TTN):c.57683G>A (p.Arg19228His)

Genes: TTN (titin; minus strand), TTN-AS1 (TTN antisense RNA 1; plus strand). Cytogenetic location: 2q31.2.
Variant type: single nucleotide variant.
Coding change: c.57683G>A on transcript NM_001267550.2 (MANE Select); coding-DNA position 57683, G replaced by A.
Protein change: p.Arg19228His; replaces arginine 19228 with histidine.
Molecular consequence: missense variant.
Genome position (GRCh38, 1-based): chr2:178,595,671, C>T on the plus strand (G>A on the coding strand, the complement: TTN is on the minus strand). VCF-style: chr2-178595671-C-T. GRCh37 (hg19) VCF-style: chr2-179460398-C-T.
Other names: p.R17587H:CGC>CAC; c.52760G>A, p.Arg17587His (NM_001256850.1); c.30488G>A, p.Arg10163His (NM_003319.4); c.49979G>A, p.Arg16660His (NM_133378.4); c.30863G>A, p.Arg10288His (NM_133432.3); c.31064G>A, p.Arg10355His (NM_133437.4); short protein forms R19228H, R16660H, R17587H, R10163H, R10288H, R10355H.
Identifiers: ClinVar variation 47128 (VCV000047128.42), dbSNP rs114711705, ClinGen allele CA140076.

ClinVar aggregate classification (germline): Benign/Likely benign. Review status: criteria provided, multiple submitters, no conflicts (2 of 4 stars). 17 submissions from 14 submitters: Benign (11); Likely benign (5). 1 of the submissions does not count toward it. Last evaluated 2026-02-01.

Conditions:
Cardiovascular phenotype. Identifiers: MedGen CN230736.
Dilated cardiomyopathy 1G (CMD1G). Identifiers: Orphanet 154, MedGen C1858763, MONDO:0011400, OMIM 604145.
Autosomal recessive limb-girdle muscular dystrophy type 2J (LGMDR10). Also called: MUSCULAR DYSTROPHY, LIMB-GIRDLE, AUTOSOMAL RECESSIVE 10; Limb-girdle muscular dystrophy, type 2J. Identifiers: Orphanet 140922, MedGen C1837342, MONDO:0012127, OMIM 608807.
TTN-related disorder. Also called: TTN-related disorders; TTN-related condition; TTN-related disease.
Cardiomyopathy (CMYO). Also called: Cardiomyopathies. Identifiers: Orphanet 167848, MedGen C0878544, MONDO:0004994, HP:0001638. Inheritance: Various modes of inheritance.
Early-onset myopathy with fatal cardiomyopathy (CMYO5). Also called: CONGENITAL MYOPATHY 5 WITH CARDIOMYOPATHY; Salih Myopathy. Identifiers: Orphanet 289377, MedGen C2673677, MONDO:0012714, OMIM 611705. Disease mechanism: loss of function.
Tibial muscular dystrophy (TMD). Also called: Udd Distal Myopathy – Tibial Muscular Dystrophy; Tibial muscular dystrophy, tardive; UDD MYOPATHY. Identifiers: Orphanet 609, MedGen C1838244, MONDO:0010870, OMIM 600334.
Myopathy, myofibrillar, 9, with early respiratory failure (MFM9). Also called: Myopathy, distal, with early respiratory failure, autosomal dominant; Hereditary myopathy with early respiratory failure; MYOPATHY, PROXIMAL, WITH EARLY RESPIRATORY MUSCLE INVOLVEMENT; EDSTROM MYOPATHY. Identifiers: Orphanet 178464, Orphanet 34521, MedGen C1863599, MONDO:0011362, OMIM 603689.

Allele frequency attached by ClinVar (database versions not stated): gnomAD exomes 0.00049 and 0.00022; ExAC 0.00095; ESP Exome Variant Server 0.00174; gnomAD 0.00197 and 0.00218; TOPMed 0.00227; 1000 Genomes Project 0.00260; 1000 Genomes Project 30x 0.00344.
gnomAD v4.1: 639 of 1,608,190 alleles (0.04%); highest among the groups gnomAD compares: African/African-American, 0.77%; 1 homozygote.

Submissions (17):

Labcorp Genetics (formerly Invitae), Labcorp
Classification: Benign for Dilated cardiomyopathy 1G; Autosomal recessive limb-girdle muscular dystrophy type 2J. Last evaluated: 2026-02-01. Review status: criteria provided, single submitter. Criteria: Invitae Variant Classification Sherloc (09022015). Collection method: clinical testing. Allele origin: germline.

ARUP Laboratories, Molecular Genetics and Genomics, ARUP Laboratories
Classification: Likely benign. Last evaluated: 2025-05-20. Review status: criteria provided, single submitter. Criteria: ARUP Molecular Germline Variant Investigation Process 2024. Collection method: clinical testing. Allele origin: germline.

Molecular Diagnostic Laboratory for Inherited Cardiovascular Disease, Montreal Heart Institute
Classification: Benign. Last evaluated: 2025-04-09. Review status: criteria provided, single submitter. Criteria: ACMG Guidelines, 2015. Collection method: clinical testing. Allele origin: germline. Affected: no.

Blueprint Genetics
Classification: Likely benign. Last evaluated: 2024-11-06. Review status: criteria provided, single submitter. Criteria: ACMG Guidelines, 2015. Collection method: clinical testing. Allele origin: germline.

CHEO Genetics Diagnostic Laboratory, Children's Hospital of Eastern Ontario
Classification: Benign for Cardiomyopathy. Last evaluated: 2022-12-12. Review status: criteria provided, single submitter. Criteria: ACMG Guidelines, 2015. Collection method: clinical testing. Allele origin: germline.

Women's Health and Genetics/Laboratory Corporation of America, LabCorp
Classification: Likely benign. Last evaluated: 2022-05-07. Review status: criteria provided, single submitter. Criteria: LabCorp Variant Classification Summary - May 2015. Collection method: clinical testing. Allele origin: germline.

Genome-Nilou Lab
Classification: Benign for Autosomal recessive limb-girdle muscular dystrophy type 2J. Last evaluated: 2021-09-10. Review status: criteria provided, single submitter. Criteria: ACMG Guidelines, 2015. Collection method: clinical testing. Allele origin: germline. Affected: no.

Genome-Nilou Lab
Classification: Benign for Myopathy, myofibrillar, 9, with early respiratory failure. Last evaluated: 2021-09-10. Review status: criteria provided, single submitter. Criteria: ACMG Guidelines, 2015. Collection method: clinical testing. Allele origin: germline. Affected: no.

Genome-Nilou Lab
Classification: Benign for Early-onset myopathy with fatal cardiomyopathy. Last evaluated: 2021-09-10. Review status: criteria provided, single submitter. Criteria: ACMG Guidelines, 2015. Collection method: clinical testing. Allele origin: germline. Affected: no.

Genome-Nilou Lab
Classification: Benign for Tibial muscular dystrophy. Last evaluated: 2021-09-10. Review status: criteria provided, single submitter. Criteria: ACMG Guidelines, 2015. Collection method: clinical testing. Allele origin: germline. Affected: no.

Athena Diagnostics
Classification: Benign. Last evaluated: 2018-12-27. Review status: criteria provided, single submitter. Criteria: Athena Diagnostics Criteria. Collection method: clinical testing. Allele origin: germline.

Eurofins Ntd Llc (ga)
Classification: Benign. Last evaluated: 2016-08-01. Review status: criteria provided, single submitter. Criteria: EGL Classification Definitions 2015. Collection method: clinical testing. Allele origin: germline. Observed: 3 variant alleles, 3 heterozygotes.

Ambry Genetics
Classification: Benign for Cardiovascular phenotype. Last evaluated: 2016-01-21. Review status: criteria provided, single submitter. Criteria: Ambry Variant Classification Scheme 2023. Collection method: clinical testing. Allele origin: germline.

GeneDx
Classification: Benign. Last evaluated: 2015-10-29. Review status: criteria provided, single submitter. Criteria: GeneDx Variant Classification (06012015). Collection method: clinical testing. Allele origin: germline. Affected: yes.
Comment: This variant is considered likely benign or benign based on one or more of the following criteria: it is a conservative change, it occurs at a poorly conserved position in the protein, it is predicted to be benign by multiple in silico algorithms, and/or has population frequency not consistent with disease.

Laboratory for Molecular Medicine, Mass General Brigham Personalized Medicine
Classification: Likely benign. Last evaluated: 2012-04-11. Review status: criteria provided, single submitter. Criteria: LMM Criteria. Collection method: clinical testing. Allele origin: germline. Observed: 3 variant alleles.
Comment: Arg16660His in exon 244 of TTN: This variant is not expected to have clinical si gnificance because it has been identified in 0.6% (19/3144) of African American chromosomes from a broad population by the NHLBI Exome Sequencing Project (dbSNP rs114711705) Arg16660His in exon 244 of T TN (rs114711705; allele frequency = 0.6% 19/3144) **

Breakthrough Genomics
Classification: Likely benign. Review status: criteria provided, single submitter. Criteria: ACMG Guidelines, 2015. Collection method: not provided. Allele origin: germline. Inheritance: Autosomal recessive inheritance. Affected: yes.

PreventionGenetics, part of Exact Sciences
Classification: Likely benign for TTN-related condition. Last evaluated: 2024-07-18. Review status: no assertion criteria provided. Collection method: clinical testing. Allele origin: germline. Not counted in ClinVar's aggregate classification.
Comment: This variant is classified as likely benign based on ACMG/AMP sequence variant interpretation guidelines (Richards et al. 2015 PMID: 25741868, with internal and published modifications).